The following is an entry in ClinVar:

ClinVar aggregate classification (germline): Pathogenic/Likely pathogenic. Review status: criteria provided, multiple submitters, no conflicts (2 of 4 stars). 11 submissions from 11 submitters: Pathogenic (10); Likely pathogenic (1). Last evaluated 2025-12-30.

Conditions:
GBA1-related disorder. Also called: GBA1-related condition.
Lewy body dementia (DLB). Also called: Lewy Body Disease. Identifiers: MedGen C0752347, MONDO:0007488, OMIM 127750.
Gaucher disease type I (GD1). Also called: Gaucher's disease, type 1; ACID BETA-GLUCOSIDASE DEFICIENCY; GAUCHER DISEASE, NONCEREBRAL JUVENILE; GBA DEFICIENCY; GD I; GLUCOCEREBROSIDASE DEFICIENCY. Identifiers: Orphanet 355, Orphanet 77259, MedGen C1961835, MONDO:0009265, OMIM 230800.
Gaucher disease type II (GD2). Also called: GAUCHER DISEASE, ACUTE NEURONOPATHIC TYPE; GD II; Acute neuronopathic Gaucher's disease; Type 2 Gaucher disease (Acute; Infantile). Identifiers: Orphanet 77260, MedGen C0268250, MONDO:0009266, OMIM 230900.
Gaucher disease type III. Also called: GAUCHER DISEASE, CHRONIC NEURONOPATHIC TYPE; GAUCHER DISEASE, JUVENILE AND ADULT, CEREBRAL; GAUCHER DISEASE, SUBACUTE NEURONOPATHIC TYPE; GD III; Subacute neuronopathic Gaucher's disease; Type 3 Gaucher disease (Subacute; Juvenile). Identifiers: Orphanet 355, Orphanet 77261, MedGen C0268251, MONDO:0009267, OMIM 231000.
Gaucher disease perinatal lethal. Also called: Gaucher disease collodion type; Gaucher Disease, Perinatal-Lethal Form. Identifiers: Orphanet 85212, MedGen C1842704, MONDO:0011945, OMIM 608013.
Gaucher disease-ophthalmoplegia-cardiovascular calcification syndrome. Also called: GAUCHER DISEASE, TYPE IIIC. Identifiers: Orphanet 2072, MedGen C1856476, MONDO:0009268, OMIM 231005.
Parkinson disease, late-onset (PD). Also called: Susceptibility to Parkinson's Disease; Hereditary late onset Parkinson disease; PARKINSON DISEASE, LATE-ONSET, SUSCEPTIBILITY TO. Identifiers: Orphanet 411602, MedGen C3160718, MONDO:0008199, OMIM 168600.
Gaucher disease. Also called: Acute cerebral Gaucher disease; Cerebroside lipidosis syndrome; Gaucher splenomegaly; Sphingolipidosis 1; Glucocerebrosidosis; Glucosylceramidase deficiency. Identifiers: Orphanet 355, MedGen C0017205, MONDO:0018150.

Allele frequency attached by ClinVar (database versions not stated): gnomAD exomes 0.00002 and 0.00005; ExAC 0.00007; gnomAD 0.00014 and 0.00016; TOPMed 0.00019.

Submissions (11):

Labcorp Genetics (formerly Invitae), Labcorp
Classification: Pathogenic. Last evaluated: 2025-12-30. Review status: criteria provided, single submitter. Criteria: Invitae Variant Classification Sherloc (09022015). Collection method: clinical testing. Allele origin: germline.
Comment: This variant, c.222_224del, results in the deletion of 1 amino acid(s) of the GBA protein (p.Thr75del), but otherwise preserves the integrity of the reading frame. This variant is present in population databases (rs761621516, gnomAD 0.04%). This variant has been observed in individuals with Gaucher disease (PMID: 10796875, 19394250). This variant is also known as T36del. ClinVar contains an entry for this variant (Variation ID: 642539). Algorithms developed to predict the effect of variants on gene product structure and function are not available or were not evaluated for this variant. Experimental studies have shown that this variant affects GBA function (PMID: 16293621). For these reasons, this variant has been classified as Pathogenic.

Natera, Inc.
Classification: Pathogenic for Gaucher disease. Last evaluated: 2025-09-15. Review status: criteria provided, single submitter. Criteria: Natera Variant Classification Schema (03/2026). Collection method: clinical testing. Allele origin: germline.
Comment: The c.222_224delTAC variant in GBA1 is an in-frame deletion predicted to remove threonine at amino acid 75 while preserving the reading frame. This variant is rare in the general population with a frequency below the threshold expected for the associated phenotype(s). This variant has been observed in one or more individuals affected with the associated recessive disease, as either homozygous or compound heterozygous with a second variant (PMID: 19394250). Given the available evidence, this variant is classified as Pathogenic.

GeneDx
Classification: Pathogenic. Last evaluated: 2024-07-29. Review status: criteria provided, single submitter. Criteria: GeneDx Variant Classification Process June 2021. Collection method: clinical testing. Allele origin: germline. Affected: yes.
Comment: Published functional studies demonstrate a damaging effect with this variant resulting in deceased enzyme activity (PMID: 16293621); In-frame deletion of one amino acid in a non-repeat region; Also known as p.T36del using alternate nomenclature; This variant is associated with the following publications: (PMID: 10796875, 30548430, 29625052, 32035846, 36451132, 16293621, 19394250)

Greenwood Genetic Center Diagnostic Laboratories, Greenwood Genetic Center
Classification: Pathogenic for GBA1-related disorder. Last evaluated: 2024-04-17. Review status: criteria provided, single submitter. Criteria: ACMG Guidelines, 2015. Collection method: clinical testing. Allele origin: germline. Affected: yes.
Comment: PS3_Moderate, PM2, PM3_Strong, PM4

Women's Health and Genetics/Laboratory Corporation of America, LabCorp
Classification: Pathogenic for Gaucher disease. Last evaluated: 2023-01-16. Review status: criteria provided, single submitter. Criteria: LabCorp Variant Classification Summary - May 2015. Collection method: clinical testing. Allele origin: germline.
Comment: Variant summary: GBA c.222_224delTAC (p.Thr75del) results in an in-frame deletion that is predicted to remove one amino acid from the encoded protein. The variant allele was found at a frequency of 5.2e-05 in 251342 control chromosomes. This frequency is not significantly higher than expected for a pathogenic variant in GBA causing Gaucher Disease (5.2e-05 vs 0.005), allowing no conclusion about variant significance. c.222_224delTAC has been reported in the literature in multiple individuals affected with Gaucher Disease (e.g., Koprivica_2000, Heitner_2004, Arndt_2009). These data indicate that the variant is very likely to be associated with disease. Several publications report experimental evidence evaluating an impact on protein function, suggesting the variant reduces enzymatic activity (e.g., Liou_2006, Arndt_2009). The most pronounced variant effect results in 35% of normal catalytic activity (Liou_2006), and in some compound heterozygous patient leukocytes, enzymatic activity was reported to range from 0% to 50% of normal activity (Arndt_2009). Seven ClinVar submitters (evaluation after 2014) have cited the variant, and all laboratories classified the variant as pathogenic (n=6) or likely pathogenic (n=1). Based on the evidence outlined above, the variant was classified as pathogenic.

Mendelics
Classification: Pathogenic for Lewy body dementia. Last evaluated: 2022-05-04. Review status: criteria provided, single submitter. Criteria: Mendelics Assertion Criteria 2019. Collection method: clinical testing. Allele origin: germline.

Fulgent Genetics
Classification: Pathogenic for Lewy body dementia; Parkinson disease, late-onset; Gaucher disease type I; Gaucher disease type II; Gaucher disease type III; Gaucher disease-ophthalmoplegia-cardiovascular calcification syndrome; Gaucher disease perinatal lethal. Last evaluated: 2022-04-12. Review status: criteria provided, single submitter. Criteria: ACMG Guidelines, 2015. Collection method: clinical testing. Allele origin: unknown.

Mayo Clinic Laboratories, Mayo Clinic
Classification: Pathogenic. Last evaluated: 2022-02-09. Review status: criteria provided, single submitter. Criteria: ACMG Guidelines, 2015. Collection method: clinical testing. Allele origin: germline. Observed: 1 variant allele.
Comment: PP4, PM2, PM3_strong, PM4, PS3_moderate, PS4_moderate

Revvity Omics, Revvity
Classification: Likely pathogenic. Last evaluated: 2021-07-25. Review status: criteria provided, single submitter. Criteria: ACMG Guidelines, 2015. Collection method: clinical testing. Allele origin: germline.

GeneID Lab - Advanced Molecular Diagnostics
Classification: Pathogenic for Gaucher disease. Last evaluated: 2019-01-08. Review status: criteria provided, single submitter. Criteria: ACMG Guidelines, 2015. Collection method: clinical testing. Allele origin: germline. Affected: no. Observed: 1 variant allele.
Comment: This variant results in an in-frame deletion, described as p.Thr75del. This finding has been described among non-Jewish patients with type 1 Gaucher disease (PMID: 10796875) and in affected patients from black South Africans population (PMID: 19394250). Aditionally experimental evidence suggest that the function of the protein harboring this substitution is impaired (PMID: 16293621). Based on these findings and the limited literature regarding this substitution we consider it as a "Pathogenic variant”.

Baylor Genetics
Classification: Pathogenic for Gaucher disease type I; Gaucher disease type II; Gaucher disease type III; Gaucher disease-ophthalmoplegia-cardiovascular calcification syndrome. Review status: criteria provided, single submitter. Criteria: ACMG Guidelines, 2015. Collection method: clinical testing. Allele origin: germline.

Literature cited by the submitters: PubMed 10796875 (cited by 4 submitters); PubMed 19394250 (cited by 5 submitters); PubMed 16293621 (cited by 4 submitters); PubMed 15352589 (cited by Women's Health and Genetics/Laboratory Corporation of America, LabCorp); PubMed 26792850 (cited by Women's Health and Genetics/Laboratory Corporation of America, LabCorp); PubMed 12587096 (cited by Mayo Clinic Laboratories, Mayo Clinic); PubMed 17059888 (cited by Mayo Clinic Laboratories, Mayo Clinic); PubMed 21704274 (cited by Mayo Clinic Laboratories, Mayo Clinic); PubMed 30169122 (cited by Mayo Clinic Laboratories, Mayo Clinic); PubMed 30548430 (cited by Mayo Clinic Laboratories, Mayo Clinic); PubMed 32035846 (cited by Mayo Clinic Laboratories, Mayo Clinic).

NM_000157.4(GBA1):c.222_224del (p.Thr75del)

Genes: GBA1 (glucosylceramidase beta 1; minus strand), LOC106627981 (GBA recombination region; plus strand). Cytogenetic location: 1q22.
Variant type: Deletion.
Coding change: c.222_224del on transcript NM_000157.4 (MANE Select); coding-DNA positions 222 to 224, 3 bases deleted (TAC; older notation c.222_224delTAC).
Protein change: p.Thr75del; deletes threonine 75.
Molecular consequence: inframe deletion. On other transcripts: 5 prime UTR variant (1).
Genome position (GRCh38, 1-based): chr1:155,239,969-155,239,971, GTA deleted on the plus strand (TAC on the coding strand, the reverse complement: GBA1 is on the minus strand). VCF-style (leftmost placement, unchanged base first): chr1-155239968-GGTA-G. GRCh37 (hg19) VCF-style: chr1-155209759-GGTA-G.
Other names: p.Thr75del; c.222_224del (NM_001005741.2); c.222_224del, p.Thr75del (NM_001005741.3, NM_001005742.3, NM_001171812.2); c.-40_-38del (NM_001171811.2); c.222_224delTAC (NM_000157.3); short protein forms T75del.
Identifiers: ClinVar variation 642539 (VCV000642539.30), dbSNP rs761621516, ClinGen allele CA1141812.